The following is an entry in ClinVar:

ClinVar aggregate classification (germline): Conflicting classifications of pathogenicity. Review status: criteria provided, conflicting classifications (1 of 4 stars). 2 submissions from 2 submitters: Uncertain significance (1); Likely benign (1). Last evaluated 2024-01-29.

Conditions:
Mucopolysaccharidosis, MPS-III-A (MPS3A). Also called: Mucopolysaccharidosis, type IIIA; mucopolysaccharidosis type 3A; MPS IIIA (Sanfilippo Syndrome Type A); HEPARAN SULFATE SULFATASE DEFICIENCY; Mucopolysaccharidosis type IIIA (Sanfilippo A); SANFILIPPO SYNDROME A. Identifiers: Orphanet 581, Orphanet 79269, MedGen C0086647, MONDO:0009655, OMIM 252900.
Inborn genetic diseases. Identifiers: MedGen C0950123, MeSH D030342.

Allele frequency attached by ClinVar (database versions not stated): gnomAD exomes 0.00001 and below 0.00001; gnomAD 0.00001.
gnomAD v4.1: 15 of 1,613,936 alleles (0.00093%); highest among the groups gnomAD compares: African/African-American, 0.0053%; no homozygotes.

Submissions (2):

Ambry Genetics
Classification: Likely benign for Inborn genetic diseases. Last evaluated: 2024-01-29. Review status: criteria provided, single submitter. Criteria: Ambry Variant Classification Scheme 2023. Collection method: clinical testing. Allele origin: germline.

Labcorp Genetics (formerly Invitae), Labcorp
Classification: Uncertain significance for Mucopolysaccharidosis, MPS-III-A. Last evaluated: 2022-08-09. Review status: criteria provided, single submitter. Criteria: Invitae Variant Classification Sherloc (09022015). Collection method: clinical testing. Allele origin: germline.
Comment: This sequence change replaces arginine, which is basic and polar, with histidine, which is basic and polar, at codon 385 of the SGSH protein (p.Arg385His). This variant is present in population databases (no rsID available, gnomAD 0.0009%). This variant has not been reported in the literature in individuals affected with SGSH-related conditions. ClinVar contains an entry for this variant (Variation ID: 1411448). Advanced modeling of protein sequence and biophysical properties (such as structural, functional, and spatial information, amino acid conservation, physicochemical variation, residue mobility, and thermodynamic stability) performed at Invitae indicates that this missense variant is expected to disrupt SGSH protein function. In summary, the available evidence is currently insufficient to determine the role of this variant in disease. Therefore, it has been classified as a Variant of Uncertain Significance.

NM_000199.5(SGSH):c.1154G>A (p.Arg385His)

Gene: SGSH (N-sulfoglucosamine sulfohydrolase; minus strand). Cytogenetic location: 17q25.3.
Variant type: single nucleotide variant.
Coding change: c.1154G>A on transcript NM_000199.5 (MANE Select); coding-DNA position 1154, G replaced by A.
Protein change: p.Arg385His; replaces arginine 385 with histidine.
Molecular consequence: missense variant. On other transcripts: 3 prime UTR variant (2), non-coding transcript variant (1).
Genome position (GRCh38, 1-based): chr17:80,210,807, C>T on the plus strand (G>A on the coding strand, the complement: SGSH is on the minus strand). VCF-style: chr17-80210807-C-T. GRCh37 (hg19) VCF-style: chr17-78184606-C-T.
Other names: c.1154G>A (NM_000199.3); c.*241G>A (NM_001352921.3); c.*204G>A (NM_001352922.2); short protein forms R385H.
Identifiers: ClinVar variation 1411448 (VCV001411448.6), dbSNP rs944844493, ClinGen allele CA294890757.